The following is an entry in ClinVar:

ClinVar aggregate classification (germline): Uncertain significance. Review status: criteria provided, multiple submitters, no conflicts (2 of 4 stars). 2 submissions from 2 submitters: Uncertain significance (2). Last evaluated 2024-10-09.

Conditions:
Inborn genetic diseases. Identifiers: MedGen C0950123, MeSH D030342.

Allele frequency attached by ClinVar (database versions not stated): ExAC 0.00002; gnomAD 0.00002; TOPMed 0.00003; gnomAD exomes 0.00005; ESP Exome Variant Server 0.00016.
gnomAD v4.1: 75 of 1,613,816 alleles (0.0046%); highest among the groups gnomAD compares: Non-Finnish European, 0.0062%; no homozygotes.

Submissions (2):

Ambry Genetics
Classification: Uncertain significance for Inborn genetic diseases. Last evaluated: 2024-10-09. Review status: criteria provided, single submitter. Criteria: Ambry Variant Classification Scheme 2023. Collection method: clinical testing. Allele origin: germline.

Labcorp Genetics (formerly Invitae), Labcorp
Classification: Uncertain significance. Last evaluated: 2023-01-12. Review status: criteria provided, single submitter. Criteria: Invitae Variant Classification Sherloc (09022015). Collection method: clinical testing. Allele origin: germline.
Comment: In summary, the available evidence is currently insufficient to determine the role of this variant in disease. Therefore, it has been classified as a Variant of Uncertain Significance. Advanced modeling of protein sequence and biophysical properties (such as structural, functional, and spatial information, amino acid conservation, physicochemical variation, residue mobility, and thermodynamic stability) performed at Invitae indicates that this missense variant is not expected to disrupt ASXL2 protein function. This variant has not been reported in the literature in individuals affected with ASXL2-related conditions. This variant is present in population databases (rs371883962, gnomAD 0.003%). This sequence change replaces proline, which is neutral and non-polar, with leucine, which is neutral and non-polar, at codon 1236 of the ASXL2 protein (p.Pro1236Leu).

NM_018263.6(ASXL2):c.3707C>T (p.Pro1236Leu)

Gene: ASXL2 (ASXL transcriptional regulator 2; minus strand). Cytogenetic location: 2p23.3.
Variant type: single nucleotide variant.
Coding change: c.3707C>T on transcript NM_018263.6 (MANE Select); coding-DNA position 3707, C replaced by T.
Protein change: p.Pro1236Leu; replaces proline 1236 with leucine.
Molecular consequence: missense variant.
Genome position (GRCh38, 1-based): chr2:25,742,630, G>A on the plus strand (C>T on the coding strand, the complement: ASXL2 is on the minus strand). VCF-style: chr2-25742630-G-A. GRCh37 (hg19) VCF-style: chr2-25965499-G-A.
Other names: c.3707C>T (NM_018263.4); c.3533C>T, p.Pro1178Leu (NM_001369346.1); c.2927C>T, p.Pro976Leu (NM_001369347.1); short protein forms P976L, P1178L, P1236L.
Identifiers: ClinVar variation 2974268 (VCV002974268.4), dbSNP rs371883962, ClinGen allele CA1557432.